The following is an entry in ClinVar:

ClinVar aggregate classification (germline): Uncertain significance (1 of 4 stars; one submission).

Conditions:
3-Oxo-5 alpha-steroid delta 4-dehydrogenase deficiency (PPSH). Also called: 46,XY disorder of sex development due to 5-alpha-reductase 2 deficiency; PSEUDOVAGINAL PERINEOSCROTAL HYPOSPADIAS; FAMILIAL INCOMPLETE MALE PSEUDOHERMAPHRODITISM, TYPE 2; MALE PSEUDOHERMAPHRODITISM DUE TO 5-ALPHA-REDUCTASE DEFICIENCY. Identifiers: Orphanet 753, MedGen C0268297, MONDO:0009923, OMIM 264600. Disease mechanism: loss of function.

gnomAD v4.1: 1 of 1,557,926 alleles (0.000064%); highest among the groups gnomAD compares: African/African-American, 0.0014%; no homozygotes.

Submission:

3billion
Classification: Uncertain significance for 3-Oxo-5 alpha-steroid delta 4-dehydrogenase deficiency. Last evaluated: 2024-07-11. Review status: criteria provided, single submitter. Criteria: ACMG Guidelines, 2015. Collection method: clinical testing. Allele origin: germline. Affected: yes.
Comment: The variant is observed at an extremely low frequency in the gnomAD v4.0.0 dataset (total allele frequency: <0.001%). Predicted Consequence/Location: Missense variant A different missense change at the same codon (p.Cys133Gly) has been reported to be associated with SRD5A2-related disorder (PMID: 17609295). However the evidence of pathogenicity is insufficient at this time. Therefore, this variant is classified as VUS according to the recommendation of ACMG/AMP guideline.

Literature cited by the submitters: PubMed 17609295.

NM_000348.4(SRD5A2):c.397T>C (p.Cys133Arg)

Gene: SRD5A2 (steroid 5 alpha-reductase 2; minus strand). Cytogenetic location: 2p23.1.
Variant type: single nucleotide variant.
Coding change: c.397T>C on transcript NM_000348.4 (MANE Select); coding-DNA position 397, T replaced by C.
Protein change: p.Cys133Arg; replaces cysteine 133 with arginine.
Molecular consequence: missense variant.
Genome position (GRCh38, 1-based): chr2:31,533,651, A>G on the plus strand (T>C on the coding strand, the complement: SRD5A2 is on the minus strand). VCF-style: chr2-31533651-A-G. GRCh37 (hg19) VCF-style: chr2-31758721-A-G.
Other names: short protein forms C133R.
Identifiers: ClinVar variation 4293370 (VCV004293370.1).